The following is an entry in ClinVar:

ClinVar aggregate classification (germline): Uncertain significance (1 of 4 stars; one submission).

Conditions:
Holoprosencephaly sequence (HPE). Also called: Holoprosencephaly. Identifiers: Orphanet 2162, MedGen C0079541, MONDO:0016296, HP:0001360.

Allele frequency attached by ClinVar (database versions not stated): gnomAD exomes below 0.00001.

Submission:

Labcorp Genetics (formerly Invitae), Labcorp
Classification: Uncertain significance for Holoprosencephaly sequence. Last evaluated: 2023-09-10. Review status: criteria provided, single submitter. Criteria: Invitae Variant Classification Sherloc (09022015). Collection method: clinical testing. Allele origin: germline.
Comment: This sequence change affects the initiator methionine of the FOXH1 mRNA. The next in-frame methionine is located at codon 41. In summary, the available evidence is currently insufficient to determine the role of this variant in disease. Therefore, it has been classified as a Variant of Uncertain Significance. Experimental studies and prediction algorithms are not available or were not evaluated, and the functional significance of this variant is currently unknown. This variant has not been reported in the literature in individuals affected with FOXH1-related conditions. This variant is present in population databases (no rsID available, gnomAD no frequency).

NM_003923.3(FOXH1):c.2T>A (p.Met1Lys)

Gene: FOXH1 (forkhead box H1; minus strand). Cytogenetic location: 8q24.3.
Variant type: single nucleotide variant.
Coding change: c.2T>A on transcript NM_003923.3 (MANE Select); coding-DNA position 2, T replaced by A.
Protein change: p.Met1Lys; changes the start codon (methionine 1).
Molecular consequence: missense variant, initiator codon variant.
Genome position (GRCh38, 1-based): chr8:144,475,755, A>T on the plus strand (T>A on the coding strand, the complement: FOXH1 is on the minus strand). VCF-style: chr8-144475755-A-T. GRCh37 (hg19) VCF-style: chr8-145701138-A-T.
Other names: short protein forms M1K.
Identifiers: ClinVar variation 2905627 (VCV002905627.3), dbSNP rs1486270662, ClinGen allele CA372726357.